The following is an entry in ClinVar:

NM_014639.4(SKIC3):c.929A>G (p.Tyr310Cys)

Gene: SKIC3 (SKI3 subunit of superkiller complex; minus strand). Cytogenetic location: 5q15.
Variant type: single nucleotide variant.
Coding change: c.929A>G on transcript NM_014639.4 (MANE Select); coding-DNA position 929, A replaced by G.
Protein change: p.Tyr310Cys; replaces tyrosine 310 with cysteine.
Molecular consequence: missense variant.
Genome position (GRCh38, 1-based): chr5:95,529,066, T>C on the plus strand (A>G on the coding strand, the complement: SKIC3 is on the minus strand). VCF-style: chr5-95529066-T-C. GRCh37 (hg19) VCF-style: chr5-94864770-T-C.
Other names: short protein forms Y310C.
Identifiers: ClinVar variation 1950398 (VCV001950398.3), dbSNP rs751998523, ClinGen allele CA3347477.

ClinVar aggregate classification (germline): Uncertain significance. Review status: criteria provided, multiple submitters, no conflicts (2 of 4 stars). 2 submissions from 2 submitters: Uncertain significance (2). Last evaluated 2025-08-31.

Conditions:
Inborn genetic diseases. Identifiers: MedGen C0950123, MeSH D030342.

Allele frequency attached by ClinVar (database versions not stated): gnomAD exomes below 0.00001; gnomAD 0.00001; ExAC 0.00002; TOPMed 0.00002.
gnomAD v4.1: 7 of 1,613,680 alleles (0.00043%); highest among the groups gnomAD compares: Admixed American, 0.0017%; no homozygotes.

Submissions (2):

Ambry Genetics
Classification: Uncertain significance for Inborn genetic diseases. Last evaluated: 2025-08-31. Review status: criteria provided, single submitter. Criteria: Ambry Variant Classification Scheme 2023. Collection method: clinical testing. Allele origin: germline.

Labcorp Genetics (formerly Invitae), Labcorp
Classification: Uncertain significance. Last evaluated: 2022-08-19. Review status: criteria provided, single submitter. Criteria: Invitae Variant Classification Sherloc (09022015). Collection method: clinical testing. Allele origin: germline.
Comment: This sequence change replaces tyrosine, which is neutral and polar, with cysteine, which is neutral and slightly polar, at codon 310 of the TTC37 protein (p.Tyr310Cys). This variant is present in population databases (rs751998523, gnomAD 0.008%). This variant has not been reported in the literature in individuals affected with TTC37-related conditions. Algorithms developed to predict the effect of missense changes on protein structure and function output the following: SIFT: "Tolerated"; PolyPhen-2: "Benign"; Align-GVGD: "Class C0". The cysteine amino acid residue is found in multiple mammalian species, which suggests that this missense change does not adversely affect protein function. In summary, the available evidence is currently insufficient to determine the role of this variant in disease. Therefore, it has been classified as a Variant of Uncertain Significance.